The following is an entry in ClinVar:

NM_000112.4(SLC26A2):c.1847del (p.Ala616fs)

Gene: SLC26A2 (solute carrier family 26 member 2; plus strand). Cytogenetic location: 5q32.
Variant type: Deletion.
Coding change: c.1847del on transcript NM_000112.4 (MANE Select); coding-DNA position 1847, one base deleted (C; older notation c.1847delC).
Protein change: p.Ala616fs; shifts the reading frame from alanine 616.
Molecular consequence: frameshift variant.
Genome position (GRCh38, 1-based): chr5:149,981,440, C deleted. VCF-style (leftmost placement, unchanged base first): chr5-149981439-GC-G. GRCh37 (hg19) VCF-style: chr5-149361002-GC-G.
Other names: short protein forms A616fs.
Identifiers: ClinVar variation 2678892 (VCV002678892.4), dbSNP rs2480777265, ClinGen allele CA2695198766.
Genomic context (GRCh38, chr5:149,981,439, plus strand): 5'-AAATCTGCTTTATACAAACAAACTGTCAACCCAATCTTAATAAAGGTGGCTTGGAAGAAG[GC>G]AGCAAAGAGAAAGATCAAAGAAAAAGTAGTGACTCTTGGTGGAATCCAGGATGAAATGTC-3'

ClinVar aggregate classification (germline): Pathogenic/Likely pathogenic. Review status: criteria provided, multiple submitters, no conflicts (2 of 4 stars). 2 submissions from 2 submitters: Pathogenic (1); Likely pathogenic (1). Last evaluated 2023-09-10.

Conditions:
Achondrogenesis, type IB (ACG1B). Also called: Achondrogenesis Type 1B. Identifiers: Orphanet 932, Orphanet 93298, MedGen C0265274, MONDO:0010966, OMIM 600972.
Diastrophic dysplasia (DTD). Also called: Diastrophic dwarfism. Identifiers: Orphanet 628, MedGen C0220726, MONDO:0009107, OMIM 222600.
Multiple epiphyseal dysplasia type 4 (EDM4). Also called: Multiple Epiphyseal Dysplasia, Recessive; MULTIPLE EPIPHYSEAL DYSPLASIA WITH BILAYERED PATELLAE; MULTIPLE EPIPHYSEAL DYSPLASIA WITH CLUBFOOT; MULTIPLE EPIPHYSEAL DYSPLASIA, AUTOSOMAL RECESSIVE; SLC26A2-Related Multiple Epiphyseal Dysplasia. Identifiers: Orphanet 93307, MedGen C1847593, MONDO:0009189, OMIM 226900.
Atelosteogenesis type II (AO2). Also called: NEONATAL OSSEOUS DYSPLASIA I; Neonatal osseous dysplasia 1; SLC26A2-Related Atelosteogenesis. Identifiers: Orphanet 56304, MedGen C1850554, MONDO:0009727, OMIM 256050.

Submissions (2):

Labcorp Genetics (formerly Invitae), Labcorp
Classification: Pathogenic for Atelosteogenesis type II; Multiple epiphyseal dysplasia type 4; Achondrogenesis, type IB; Diastrophic dysplasia. Last evaluated: 2023-09-10. Review status: criteria provided, single submitter. Criteria: Invitae Variant Classification Sherloc (09022015). Collection method: clinical testing. Allele origin: germline.
Comment: For these reasons, this variant has been classified as Pathogenic. This variant disrupts a region of the SLC26A2 protein in which other variant(s) (p.Ala715Val) have been determined to be pathogenic (PMID: 8571951, 11448940, 15294877, 21077204, 21922596). This suggests that this is a clinically significant region of the protein, and that variants that disrupt it are likely to be disease-causing. This variant has not been reported in the literature in individuals affected with SLC26A2-related conditions. This variant is not present in population databases (gnomAD no frequency). This sequence change creates a premature translational stop signal (p.Ala616Glufs*10) in the SLC26A2 gene. While this is not anticipated to result in nonsense mediated decay, it is expected to disrupt the last 124 amino acid(s) of the SLC26A2 protein.

Baylor Genetics
Classification: Likely pathogenic for Achondrogenesis, type IB. Last evaluated: 2023-02-27. Review status: criteria provided, single submitter. Criteria: ACMG Guidelines, 2015. Collection method: clinical testing. Allele origin: unknown.

Literature cited by the submitters: PubMed 8571951 (cited by Labcorp Genetics (formerly Invitae), Labcorp); PubMed 11448940 (cited by Labcorp Genetics (formerly Invitae), Labcorp); PubMed 15294877 (cited by Labcorp Genetics (formerly Invitae), Labcorp); PubMed 21077204 (cited by Labcorp Genetics (formerly Invitae), Labcorp); PubMed 21922596 (cited by Labcorp Genetics (formerly Invitae), Labcorp).